The following is an entry in ClinVar:

ClinVar aggregate classification (germline): Uncertain significance (1 of 4 stars; one submission).

Allele frequency attached by ClinVar (database versions not stated): gnomAD exomes below 0.00001; TOPMed below 0.00001; gnomAD 0.00001.
gnomAD v4.1: 4 of 1,610,942 alleles (0.00025%); highest among the groups gnomAD compares: Middle Eastern, 0.016%; no homozygotes.

Submission:

GeneDx
Classification: Uncertain significance. Last evaluated: 2022-04-08. Review status: criteria provided, single submitter. Criteria: GeneDx Variant Classification Process June 2021. Collection method: clinical testing. Allele origin: germline. Affected: yes.
Comment: Not observed at significant frequency in large population cohorts (gnomAD); In silico analysis supports that this missense variant does not alter protein structure/function; Has not been previously published as pathogenic or benign to our knowledge

NM_001080517.3(SETD5):c.2743C>G (p.Leu915Val)

Gene: SETD5 (SET domain containing 5; plus strand). Cytogenetic location: 3p25.3.
Variant type: single nucleotide variant.
Coding change: c.2743C>G on transcript NM_001080517.3 (MANE Select); coding-DNA position 2743, C replaced by G.
Protein change: p.Leu915Val; replaces leucine 915 with valine.
Molecular consequence: missense variant.
Genome position (GRCh38, 1-based): chr3:9,470,477, C>G. VCF-style: chr3-9470477-C-G. GRCh37 (hg19) VCF-style: chr3-9512161-C-G.
Other names: c.2449C>G, p.Leu817Val (NM_001292043.2, NM_001349451.2); short protein forms L817V, L915V.
Identifiers: ClinVar variation 1708938 (VCV001708938.2), dbSNP rs1182015752, ClinGen allele CA351679957.